The following is an entry in ClinVar:

ClinVar aggregate classification (germline): Pathogenic/Likely pathogenic. Review status: criteria provided, multiple submitters, no conflicts (2 of 4 stars). 16 submissions from 16 submitters: Pathogenic (7); Likely pathogenic (3). 6 of the submissions do not count toward it. Last evaluated 2026-06-22.

Conditions:
Alzheimer disease type 1 (AD1). Also called: ALZHEIMER DISEASE, FAMILIAL, 1; ALZHEIMER DISEASE, FAMILIAL, 1, AUTOSOMAL RECESSIVE. Identifiers: MedGen C1863052, MONDO:0007088, OMIM 104300.
Myeloperoxidase deficiency (MPOD). Also called: MPO DEFICIENCY; Myeloperoxidase deficiency syndrome. Identifiers: Orphanet 2587, MedGen C0398595, MONDO:0009694, OMIM 254600.
MPO-related disorder. Also called: MPO-related condition.

Allele frequency attached by ClinVar (database versions not stated): 1000 Genomes Project 0.00040; 1000 Genomes Project 30x 0.00047; gnomAD exomes 0.00145; ExAC 0.00155; gnomAD 0.00170 and 0.00173; TOPMed 0.00178.

Submissions (16):

Women's Health and Genetics/Laboratory Corporation of America, LabCorp
Classification: Pathogenic for Myeloperoxidase deficiency. Last evaluated: 2026-06-22. Review status: criteria provided, single submitter. Criteria: LabCorp Variant Classification Summary - May 2015. Collection method: clinical testing. Allele origin: germline.
Comment: Variant summary: MPO c.1705C>T (p.Arg569Trp) results in a non-conservative amino acid change in the encoded protein sequence. Algorithms developed to predict the effect of missense changes on protein structure and function all suggest that this variant is likely to be disruptive. The variant allele was found at a frequency of 0.0015 in 251472 control chromosomes. This frequency is not significantly higher than estimated for disease-causing variants in MPO, allowing no conclusion about variant significance. c.1705C>T has been observed in multiple individual(s) with homozygous or compound heterozygous genotype affected with Myeloperoxidase Deficiency (e.g. Nauseef_1994, Mauch_2007, Kizaki_1994). These data indicate that the variant is likely to be associated with disease. At least one publication reports experimental evidence evaluating an impact on protein function. Experimental evidence showed that p.Arg569Trp allows production of the MPO precursor but prevents heme incorporation and maturation to enzymatically active MPO, resulting in markedly reduced MPO peroxidase activity (Nauseef_1996). The following publications have been ascertained in the context of this evaluation (PMID: 8142659, 17384005, 7904599, 8621627). ClinVar contains an entry for this variant (Variation ID: 3626). Based on the evidence outlined above, the variant was classified as pathogenic.

CeGaT Center for Human Genetics Tuebingen
Classification: Pathogenic. Last evaluated: 2026-05-01. Review status: criteria provided, single submitter. Criteria: CeGaT Center For Human Genetics Tuebingen Variant Classification Criteria Version 2. Collection method: clinical testing. Allele origin: germline. Affected: yes. Observed: 4 variant alleles.
Comment: MPO: PM3:Very Strong, PM2:Supporting, PS3:Supporting

PreventionGenetics, part of Exact Sciences
Classification: Likely pathogenic for MPO-related condition. Last evaluated: 2026-04-09. Review status: criteria provided, single submitter. Criteria: ACMG Guidelines, 2015. Collection method: clinical testing. Allele origin: germline.
Comment: The MPO c.1705C>T variant is predicted to result in the amino acid substitution p.Arg569Trp. This variant has been reported in the homozygous and compound heterozygous states in multiple individuals with myeloperoxidase deficiency (see, for example, Nauseef et al. 1994. PubMed ID: 7904599; Marchetti et al. 2004. PubMed ID: 15108282; Vergnano et al. 2020. PubMed ID: 32758448, supplementary data, Fusaro et al. 2021. PubMed ID: 32531373; Kizaki et al. 1994. PubMed ID: 8142659). This variant is reported in 0.29% of alleles in individuals of European (Non-Finnish) descent in gnomAD. This variant is interpreted as likely pathogenic.

GeneDx
Classification: Pathogenic. Last evaluated: 2025-03-27. Review status: criteria provided, single submitter. Criteria: GeneDx Variant Classification Process June 2021. Collection method: clinical testing. Allele origin: germline. Affected: yes.
Comment: Published functional studies demonstrate a damaging effect: apopro-MPO does not undergo post-translational processing to enzymatically active MPO resulting in absent MPO activity (PMID: 8621627, 32758447); In silico analysis supports that this missense variant has a deleterious effect on protein structure/function; This variant is associated with the following publications: (PMID: 9354683, 9468285, 34662886, 7904599, 15108282, 8142659, 17384005, 24385801, 32758448, 34426522, 31589614, 32531373, 32758447, 36730508, 35761024, 8621627)

Blueprint Genetics
Classification: Pathogenic for MPO-related disorders. Last evaluated: 2024-10-31. Review status: criteria provided, single submitter. Criteria: ACMG Guidelines, 2015. Collection method: clinical testing. Allele origin: germline. Affected: yes. Observed: 5 variant alleles.

Revvity Omics, Revvity
Classification: Likely pathogenic for Myeloperoxidase deficiency. Last evaluated: 2024-08-08. Review status: criteria provided, single submitter. Criteria: ACMG Guidelines, 2015. Collection method: clinical testing. Allele origin: germline.

Fulgent Genetics
Classification: Pathogenic for Alzheimer disease type 1; Myeloperoxidase deficiency. Last evaluated: 2022-04-11. Review status: criteria provided, single submitter. Criteria: ACMG Guidelines, 2015. Collection method: clinical testing. Allele origin: unknown.

AiLife Diagnostics
Classification: Likely pathogenic. Last evaluated: 2022-03-08. Review status: criteria provided, single submitter. Criteria: ACMG Guidelines, 2015. Collection method: clinical testing. Allele origin: germline. Affected: yes. Observed: 2 variant alleles.

Genetic Diagnostics Department, Viafet Genomics Laboratory
Classification: Pathogenic for Myeloperoxidase deficiency. Last evaluated: 2021-08-23. Review status: criteria provided, single submitter. Criteria: ACMG Guidelines, 2015. Collection method: clinical testing. Allele origin: germline. Inheritance: Autosomal recessive inheritance. Affected: no. Observed: 1 variant allele, 1 heterozygote.
Comment: This variant has been identified in a homozygous and compound heterozygous state in patients affected with Myeloperoxidase Deficiency (PMIDs: 7904599, 8142659 and 9468285).

Mayo Clinic Laboratories, Mayo Clinic
Classification: Pathogenic. Last evaluated: 2021-05-20. Review status: criteria provided, single submitter. Criteria: ACMG Guidelines, 2015. Collection method: clinical testing. Allele origin: germline.
Comment: PM3_very strong, PS3, PS4_moderate, PP3

Undiagnosed Diseases Network, NIH
Classification: Pathogenic for Myeloperoxidase deficiency. Last evaluated: 2023-05-22. Review status: no assertion criteria provided. Collection method: clinical testing. Allele origin: paternal. Affected: yes. Observed: 1 variant allele, 1 compound heterozygote. Study: Undiagnosed Diseases Network (NIH), UDN. Not counted in ClinVar's aggregate classification.

OMIM
Classification: Pathogenic for MYELOPEROXIDASE DEFICIENCY. Last evaluated: 2004-05-01. Review status: no assertion criteria provided. Collection method: literature only. Allele origin: germline. Not counted in ClinVar's aggregate classification.

Clinical Genetics DNA and cytogenetics Diagnostics Lab, Erasmus MC, Erasmus Medical Center
Classification: Pathogenic. Review status: no assertion criteria provided. Collection method: clinical testing. Allele origin: germline. Affected: yes. Study: VKGL Data-share Consensus. Not counted in ClinVar's aggregate classification.

Department of Pathology and Laboratory Medicine, Sinai Health System
Classification: Likely pathogenic. Review status: no assertion criteria provided. Collection method: clinical testing. Allele origin: unknown. Affected: yes. Study: The Canadian Open Genetics Repository (COGR). Not counted in ClinVar's aggregate classification.
Comment: The MPO p.R569W variant was identified in the literature in five families with by hereditary myeloperoxidase deficiency in the heterozygous, homozygous and presumed compound heterozygous state. All individuals with p.R569W exhibited abnormal MPO activity, with one homozygous individual being completely MPO deficient while heterozygotes were partially to completely MPO deficient (Nauseef_1998_PMID:9468285). Furthermore, in a cohort of 6 patients with MPO deficiency, one patient was identified to be a compound heterozygote for p.R569W and p.M251T but also had an additional variant in JAK2 (Alexandre_2016_PMID_27013444). The p.R569W variant was identified in dbSNP (ID: rs119468010) and ClinVar (classified as pathogenic by GeneDx). The variant was identified in control databases in 416 of 282876 chromosomes at a frequency of 0.001471 (Genome Aggregation Database March 6, 2019, v2.1.1). The variant was observed in the following populations: European (non-Finnish) in 370 of 129182 chromosomes (freq: 0.002864), Other in 7 of 7226 chromosomes (freq: 0.000969), European (Finnish) in 13 of 25122 chromosomes (freq: 0.000518), Latino in 14 of 35440 chromosomes (freq: 0.000395), African in 8 of 24968 chromosomes (freq: 0.00032) and South Asian in 4 of 30616 chromosomes (freq: 0.000131), but was not observed in the Ashkenazi Jewish or East Asian populations. The p.R569 residue is conserved in mammals but not in more distantly related organisms, and computational analyses (PolyPhen-2, SIFT, AlignGVGD, BLOSUM, MutationTaster) suggest that the variant may impact the protein; however, this information is not predictive enough to assume pathogenicity. The variant occurs outside of the splicing consensus sequence and in silico or computational prediction software programs (SpliceSiteFinder, MaxEntScan, NNSPLICE, GeneSplicer) do not predict a difference in splicing. Functional studies indicate protein function is affected as a result of this variant, as p.R569W cell lines had a defective maturation process, exhibited no MPO activity compared to wild type cells, failed to incorporate heme, exit the ER, or undergo proteolytic processing to mature MPO subunits and had prolonged association with calnexin and calreticulin compared to complexes with wild type MPO (Sawayama_2008_PMID:18273043; Nauseef_1996_PMID:8621627; Nauseef_1997_PMID:9507022). In summary, based on the above information the clinical significance of this variant cannot be determined with certainty at this time although we would lean towards a more pathogenic role for this variant. This variant is classified as likely pathogenic.

Diagnostic Laboratory, Department of Genetics, University Medical Center Groningen
Classification: Pathogenic. Review status: no assertion criteria provided. Collection method: clinical testing. Allele origin: germline. Affected: yes. Study: VKGL Data-share Consensus. Not counted in ClinVar's aggregate classification.

Joint Genome Diagnostic Labs from Nijmegen and Maastricht, Radboudumc and MUMC+
Classification: Pathogenic. Review status: no assertion criteria provided. Collection method: clinical testing. Allele origin: germline. Affected: yes. Study: VKGL Data-share Consensus. Not counted in ClinVar's aggregate classification.

Literature cited by the submitters: PubMed 8142659 (cited by 5 submitters); PubMed 17384005 (cited by Women's Health and Genetics/Laboratory Corporation of America, LabCorp and Mayo Clinic Laboratories, Mayo Clinic); PubMed 7904599 (cited by 5 submitters); PubMed 8621627 (cited by 4 submitters); PubMed 31589614 (cited by AiLife Diagnostics); PubMed 32531373 (cited by AiLife Diagnostics); PubMed 32758447 (cited by AiLife Diagnostics and Mayo Clinic Laboratories, Mayo Clinic); PubMed 9468285 (cited by 3 submitters); PubMed 32758448 (cited by AiLife Diagnostics and Mayo Clinic Laboratories, Mayo Clinic); PubMed 15108282 (cited by Mayo Clinic Laboratories, Mayo Clinic and OMIM); PubMed 27013444 (cited by Mayo Clinic Laboratories, Mayo Clinic); PubMed 18273043 (cited by Mayo Clinic Laboratories, Mayo Clinic); PubMed 9507022 (cited by Mayo Clinic Laboratories, Mayo Clinic).

NM_000250.2(MPO):c.1705C>T (p.Arg569Trp)

Genes: MPO (myeloperoxidase; minus strand), LOC106694316 (enhancer region in introns 7-9 of MPO; plus strand). Cytogenetic location: 17q22.
Variant type: single nucleotide variant.
Coding change: c.1705C>T on transcript NM_000250.2 (MANE Select); coding-DNA position 1705, C replaced by T.
Protein change: p.Arg569Trp; replaces arginine 569 with tryptophan.
Molecular consequence: missense variant.
Genome position (GRCh38, 1-based): chr17:58,272,835, G>A on the plus strand (C>T on the coding strand, the complement: MPO is on the minus strand). VCF-style: chr17-58272835-G-A. GRCh37 (hg19) VCF-style: chr17-56350196-G-A.
Other names: c.1705C>T, p.Arg569Trp (LRG_84t1); short protein forms R569W.
Identifiers: ClinVar variation 3626 (VCV000003626.68), dbSNP rs119468010, ClinGen allele CA116381.